The following is an entry in ClinVar:

NM_001005242.3(PKP2):c.2357+1G>A

Gene: PKP2 (plakophilin 2; minus strand). Cytogenetic location: 12p11.21.
Variant type: single nucleotide variant.
Coding change: c.2357+1G>A on transcript NM_001005242.3 (MANE Select); the canonical splice donor site of the intron after coding-DNA position 2357, G replaced by A.
Molecular consequence: splice donor variant. On other transcripts: intron variant (2).
Genome position (GRCh38, 1-based): chr12:32,796,108, C>T on the plus strand (G>A on the coding strand, the complement: PKP2 is on the minus strand). VCF-style: chr12-32796108-C-T. GRCh37 (hg19) VCF-style: chr12-32949042-C-T.
Other names: IVS12, G-A, +1; c.2192+1G>A (NM_001407156.1); c.2168-3377G>A (NM_001407155.1); c.2489+1G>A (NM_004572.4); c.1841-3377G>A (NM_001407160.1); c.2030+1G>A (NM_001407159.1, NM_001407158.1); c.2357+1G>A (NM_001005242.2).
Identifiers: ClinVar variation 6757 (VCV000006757.71), dbSNP rs111517471, ClinGen allele CA012089.

ClinVar aggregate classification (germline): Pathogenic. Review status: criteria provided, multiple submitters, no conflicts (2 of 4 stars). 28 submissions from 28 submitters: Pathogenic (24). 4 of the submissions do not count toward it. Last evaluated 2026-09-11.

Conditions:
PKP2-related disorder. Also called: PKP2-related condition.
Arrhythmogenic ventricular cardiomyopathy.
Sudden unexplained death. Identifiers: MedGen C0520806.
Familial isolated arrhythmogenic right ventricular dysplasia. Identifiers: Orphanet 217656, MedGen C4274968, MONDO:0016342.
Cardiovascular phenotype. Identifiers: MedGen CN230736.
Arrhythmogenic right ventricular cardiomyopathy (ARVD). Also called: Arrhythmogenic right ventricular dysplasia; Arrhythmogenic cardiomyopathy; Arrhythmogenic Right Ventricular Cardiomyopathy (ARVC); Cardiomyopathy, ARVC. Identifiers: Orphanet 247, MedGen C0349788, MeSH D019571, MONDO:0016587. Disease mechanism: loss of function. Inheritance: Various modes of inheritance.
Cardiomyopathy (CMYO). Also called: Cardiomyopathies. Identifiers: Orphanet 167848, MedGen C0878544, MONDO:0004994, HP:0001638. Inheritance: Various modes of inheritance.
Arrhythmogenic right ventricular dysplasia 9 (ARVD9). Also called: Arrhythmogenic Right Ventricular Dysplasia/Cardiomyopathy 9; ARRHYTHMOGENIC RIGHT VENTRICULAR DYSPLASIA, FAMILIAL, 9. Identifiers: MedGen C1836906, MONDO:0012180, OMIM 609040.

Allele frequency attached by ClinVar (database versions not stated): ExAC 0.00002; gnomAD 0.00004 and 0.00005; gnomAD exomes 0.00002 and 0.00003; TOPMed 0.00003; 1000 Genomes Project 0.00020; 1000 Genomes Project 30x 0.00016.
gnomAD v4.1: 36 of 1,613,068 alleles (0.0022%); highest among the groups gnomAD compares: African/African-American, 0.0093%; no homozygotes.

Submissions 1 to 8 of 28:

Ambry Genetics
Classification: Pathogenic for Cardiovascular phenotype. Last evaluated: 2026-09-11. Review status: criteria provided, single submitter. Criteria: Ambry Variant Classification Scheme 2023. Collection method: clinical testing. Allele origin: germline.
Comment: The c.2489+1G>A intronic pathogenic mutation results from a G to A substitution one nucleotide after coding exon 12 of the PKP2 gene. This alteration occurs at the 3' terminus of the PKP2 gene, is not expected to trigger nonsense-mediated mRNA decay, and impacts the last 12.9% of the protein. The exact functional effect of this alteration is unknown; however, the impacted region is critical for protein function, and a significant portion of the protein is affected (Ambry internal data). Based on data from gnomAD, the A allele has an overall frequency of 0.003% (8/282816) total alleles studied. The highest observed frequency was 0.008% (2/24964) of African alleles. This variant was identified in multiple individuals with features consistent with arrhythmogenic right ventricular cardiomyopathy and segregated with disease in some of the families (Gerull, 2004; Dalal, 2006; van Tintelen, 2006; Nakajima, 2012; Andrews, 2017; Haggerty, 2017; Orgeron, 2017; Truszkowska, 2017; Walsh, 2017). This nucleotide position is highly conserved in available vertebrate species. In silico splice site analysis predicts that this alteration will weaken the native splice donor site. Based on the available evidence, this alteration is classified as pathogenic.

PreventionGenetics, part of Exact Sciences
Classification: Pathogenic for PKP2-related condition. Last evaluated: 2026-04-20. Review status: criteria provided, single submitter. Criteria: ACMG Guidelines, 2015. Collection method: clinical testing. Allele origin: germline.
Comment: The PKP2 c.2489+1G>A variant is predicted to disrupt the GT donor site and interfere with normal splicing. This variant has been reported in multiple unrelated individuals with arrhythmogenic right ventricular dysplasia (see for example: Gerull et al. 2004. PubMed ID: 15489853; Dalal et al. 2006. PubMed ID: 17010805; den Haan et al. 2009. PubMed ID: 20031617; Nakajima et al. 2012. PubMed ID: 22214898; Table S1A, Walsh et al. 2017. PubMed ID: 27532257). Transcript analysis of this variant found it leads to both exon skipping and results in the use of a cryptic splice site with each event predicted to result in a frameshift and premature protein truncation (Figure S2, Gerull et al. 2004. PubMed ID: 15489853). This variant is reported in 0.0080% of alleles in individuals of African descent in gnomAD and is pathogenic in ClinVar (Variation ID: 6757). Variants that disrupt the consensus splice donor site in PKP2 are expected to be pathogenic. This variant is interpreted as pathogenic.

Labcorp Genetics (formerly Invitae), Labcorp
Classification: Pathogenic for Arrhythmogenic right ventricular dysplasia 9. Last evaluated: 2026-01-28. Review status: criteria provided, single submitter. Criteria: Invitae Variant Classification Sherloc (09022015). Collection method: clinical testing. Allele origin: germline.
Comment: This sequence change affects a donor splice site in intron 12 of the PKP2 gene. It is expected to disrupt RNA splicing. Variants that disrupt the donor or acceptor splice site typically lead to a loss of protein function (PMID: 16199547), and loss-of-function variants in PKP2 are known to be pathogenic (PMID: 15489853, 17041889, 23911551). This variant is present in population databases (rs111517471, gnomAD 0.008%). Disruption of this splice site has been observed in individuals with arrhythmogenic right ventricular cardiomyopathy (PMID: 15489853, 17010805, 20031616, 20031617, 21822014, 22214898). ClinVar contains an entry for this variant (Variation ID: 6757). Algorithms developed to predict the effect of sequence changes on RNA splicing suggest that this variant may disrupt the consensus splice site. For these reasons, this variant has been classified as Pathogenic.

CeGaT Center for Human Genetics Tuebingen
Classification: Pathogenic. Last evaluated: 2026-01-01. Review status: criteria provided, single submitter. Criteria: CeGaT Center For Human Genetics Tuebingen Variant Classification Criteria Version 2. Collection method: clinical testing. Allele origin: germline. Affected: yes. Observed: 4 variant alleles.
Comment: PKP2: PVS1, PS4:Moderate

Dasa
Classification: Pathogenic. Last evaluated: 2025-09-04. Review status: criteria provided, single submitter. Criteria: DASA Assertion Criteria. Collection method: clinical testing. Allele origin: germline.
Comment: NM_001005242.3(PKP2):c.2357+1G>A introduces a premature termination codon predicted to result in loss of normal protein function. Loss-of-function is an established mechanism of disease for this gene. Segregation evidence has been reported in affected families. This variant has been recurrently observed in individuals with related phenotype (PMID: 21822014; PMID: 30619891; PMID: 32916635; PMID: 36225810). The variant is present at low frequency in population datasets. Based on the available data, this variant is classified as pathogenic.

Molecular Diagnostic Laboratory for Inherited Cardiovascular Disease, Montreal Heart Institute
Classification: Pathogenic for Cardiovascular phenotype. Last evaluated: 2025-08-13. Review status: criteria provided, single submitter. Criteria: ACMG Guidelines, 2015. Collection method: clinical testing. Allele origin: germline. Affected: yes.
Comment: PVS1, PS4, PP1_strong, PM2

Victorian Clinical Genetics Services, Murdoch Childrens Research Institute
Classification: Pathogenic for Arrhythmogenic right ventricular dysplasia 9. Last evaluated: 2025-06-12. Review status: criteria provided, single submitter. Criteria: ACMG Guidelines, 2015. Collection method: clinical testing. Allele origin: germline. Affected: yes.
Comment: This variant is classified as Pathogenic. Evidence in support of pathogenic classification: Splice site variant proven to affect splicing of the transcript with uncertain effect on protein sequence. RT-PCR using sample(s) from an individual with ARVC showed this variant can cause either skipping of exon 12 or activation of a cryptic splice donor site in intron 12 (PMID: 15489853); Variant is present in gnomAD <0.01 (v4: 36 heterozygote(s), 0 homozygote(s)) ; This variant has strong previous evidence of pathogenicity in unrelated individuals. It has been reported in individuals with arrhythmogenic right ventricular cardiomyopathy (ARVC) and has been classified as pathogenic by many clinical laboratories (ClinVar, PMID: 15489853). Additional information: This variant is heterozygous; This gene is associated with both recessive and dominant disease. Arrhythmogenic right ventricular dysplasia 9 (MIM#609040) is inherited in an autosomal dominant manner while biallelic loss of function variants are associated with severe perinatal and neonatal onset dilated cardiomyopathy (PMIDs: 30562116, 35059364, 38050058); Loss of function is a known mechanism of disease in this gene and is associated with arrhythmogenic right ventricular dysplasia 9 (MIM#609040) and dilated cardiomyopathy (MONDO:0005021), PKP2-related (PanelApp Australia); The autosomal dominant condition associated with this gene has incomplete penetrance (PMIDs: 17010805, 23183494); Variants in this gene that are associated with autosomal dominant arrhythmogenic right ventricular dysplasia 9 (MIM#609040) are known to have variable expressivity (PMIDs: 17010805, 23183494); Inheritance information for this variant is not currently available in this individual.

Blueprint Genetics
Classification: Pathogenic for PKP2-related disorders. Last evaluated: 2024-07-04. Review status: criteria provided, single submitter. Criteria: ACMG Guidelines, 2015. Collection method: clinical testing. Allele origin: de novo. Affected: yes. Observed: 5 variant alleles.